The following is an entry in ClinVar:

NM_138694.4(PKHD1):c.210dup (p.Ala71fs)

Gene: PKHD1 (PKHD1 ciliary IPT domain containing fibrocystin/polyductin; minus strand). Cytogenetic location: 6p12.2.
Variant type: Duplication.
Coding change: c.210dup on transcript NM_138694.4 (MANE Select); coding-DNA position 210, one base duplicated (C; older notation c.210dupC).
Protein change: p.Ala71fs; shifts the reading frame from alanine 71.
Molecular consequence: frameshift variant.
Genome position (GRCh38, 1-based): chr6:52,082,463, G duplicated on the plus strand (C on the coding strand, the reverse complement: PKHD1 is on the minus strand); the first of 3 consecutive G bases (chr6:52,082,463-52,082,465); duplicating any one gives the same sequence. VCF-style (leftmost placement, unchanged base first): chr6-52082462-C-CG. GRCh37 (hg19) VCF-style: chr6-51947260-C-CG.
Other names: c.210dup, p.Ala71fs (NM_170724.3); c.210dupC (NM_138694.3); short protein forms A71fs.
Identifiers: ClinVar variation 2074279 (VCV002074279.6), dbSNP rs2533760521, ClinGen allele CA2580075592.

ClinVar aggregate classification (germline): Pathogenic/Likely pathogenic. Review status: criteria provided, multiple submitters, no conflicts (2 of 4 stars). 3 submissions from 3 submitters: Pathogenic (2); Likely pathogenic (1). Last evaluated 2025-10-09.

Conditions:
Polycystic kidney disease 4 (PKD4). Also called: POLYCYSTIC KIDNEY DISEASE 4 WITH OR WITHOUT POLYCYSTIC LIVER DISEASE; POLYCYSTIC KIDNEY AND HEPATIC DISEASE 1; POLYCYSTIC KIDNEY DISEASE, INFANTILE, TYPE I; PKD3; Autosomal Recessive Polycystic Kidney Disease – PKHD1. Identifiers: MedGen C4540575, MONDO:0033004, OMIM 263200.
Autosomal recessive polycystic kidney disease (ARPKD). Also called: AR polycystic kidney disease. Identifiers: Orphanet 731, Orphanet 8378, MedGen C0085548, MeSH D017044, MONDO:0009889.

Submissions (3):

Natera, Inc.
Classification: Likely pathogenic for Autosomal recessive polycystic kidney disease. Last evaluated: 2025-10-09. Review status: criteria provided, single submitter. Criteria: Natera Variant Classification Schema (03/2026). Collection method: clinical testing. Allele origin: germline.
Comment: The c.210dupC variant in PKHD1 is a frameshift variant predicted to shift the reading frame beginning at codon 71 and leads to a stop codon 8 codons downstream. This variant is expected to result in nonsense mediated decay, truncation, or a dysfunctional protein product. This variant is rare in the general population with a frequency below the threshold expected for the associated phenotype(s). Given the available evidence, this variant is classified as Likely Pathogenic.

Myriad Genetics, Inc.
Classification: Pathogenic for Polycystic kidney disease 4. Last evaluated: 2024-08-07. Review status: criteria provided, single submitter. Criteria: Myriad Autosomal Dominant, Autosomal Recessive and X-Linked Classification Criteria (2023). Collection method: clinical testing. Allele origin: unknown.
Comment: NM_138694.3(PKHD1):c.210dupC(A71Rfs*8) is expected to be pathogenic in the context of autosomal recessive polycystic kidney disease, PKHD1-related. This variant is predicted to lead to an abnormal or absent protein product due to the creation of a premature termination codon in PKHD1, a gene where loss-of-function variants are known to be pathogenic. Please note: this variant was assessed in the context of healthy population screening.

Labcorp Genetics (formerly Invitae), Labcorp
Classification: Pathogenic for Autosomal recessive polycystic kidney disease. Last evaluated: 2022-04-11. Review status: criteria provided, single submitter. Criteria: Invitae Variant Classification Sherloc (09022015). Collection method: clinical testing. Allele origin: germline.
Comment: For these reasons, this variant has been classified as Pathogenic. This variant has not been reported in the literature in individuals affected with PKHD1-related conditions. This variant is not present in population databases (gnomAD no frequency). This sequence change creates a premature translational stop signal (p.Ala71Argfs*8) in the PKHD1 gene. It is expected to result in an absent or disrupted protein product. Loss-of-function variants in PKHD1 are known to be pathogenic (PMID: 19940839).

Literature cited by the submitters: PubMed 19940839 (cited by Labcorp Genetics (formerly Invitae), Labcorp).